The following is an entry in ClinVar:

ClinVar aggregate classification (germline): Uncertain significance (1 of 4 stars; one submission).

Conditions:
Marbach-Rustad progeroid syndrome. Identifiers: Orphanet 659873, MedGen C5543388, MONDO:0859147, OMIM 619322.

Submission:

Dasa
Classification: Uncertain significance for Marbach-Rustad progeroid syndrome. Last evaluated: 2025-08-27. Review status: criteria provided, single submitter. Criteria: DASA Assertion Criteria. Collection method: clinical testing. Allele origin: germline.
Comment: NM_181336.4(LEMD2):c.67A>C (p.Ile23Leu) is a missense variant that results in the substitution of isoleucine with leucine. This variant is absent from population databases. Computational prediction algorithms are consistent with a benign effect. The currently available literature and clinical evidence are not sufficient to establish a definitive association between this variant and the reported condition. Therefore, this variant is classified as a variant of uncertain significance.

NM_181336.4(LEMD2):c.67A>C (p.Ile23Leu)

Genes: LEMD2 (LEM domain nuclear envelope protein 2; minus strand), LOC129996186 (ATAC-STARR-seq lymphoblastoid silent region 17057; plus strand). Cytogenetic location: 6p21.31.
Variant type: single nucleotide variant.
Coding change: c.67A>C on transcript NM_181336.4 (MANE Select); coding-DNA position 67, A replaced by C.
Protein change: p.Ile23Leu; replaces isoleucine 23 with leucine.
Molecular consequence: missense variant. On other transcripts: 5 prime UTR variant (1).
Genome position (GRCh38, 1-based): chr6:33,789,050, T>G on the plus strand (A>C on the coding strand, the complement: LEMD2 is on the minus strand). VCF-style: chr6-33789050-T-G. GRCh37 (hg19) VCF-style: chr6-33756827-T-G.
Other names: c.-446A>C (NM_001348709.2); c.67A>C, p.Ile23Leu (NM_001348710.2); short protein forms I23L.
Identifiers: ClinVar variation 4881246 (VCV004881246.2).